The following is an entry in ClinVar:

ClinVar aggregate classification (germline): Uncertain significance. Review status: criteria provided, multiple submitters, no conflicts (2 of 4 stars). 2 submissions from 2 submitters: Uncertain significance (2). Last evaluated 2025-06-02.

Conditions:
Inborn genetic diseases. Identifiers: MedGen C0950123, MeSH D030342.
Fanconi anemia (FA). Also called: Fanconi's anemia. Identifiers: Orphanet 84, MedGen C0015625, MeSH D005199, MONDO:0019391.

Allele frequency attached by ClinVar (database versions not stated): gnomAD exomes 0.00001; ExAC 0.00003; gnomAD 0.00003 and 0.00004; TOPMed 0.00003; ESP Exome Variant Server 0.00008.
gnomAD v4.1: 36 of 1,609,634 alleles (0.0022%); highest among the groups gnomAD compares: Non-Finnish European, 0.0027%; no homozygotes.

Submissions (2):

Labcorp Genetics (formerly Invitae), Labcorp
Classification: Uncertain significance for Fanconi anemia. Last evaluated: 2025-06-02. Review status: criteria provided, single submitter. Criteria: Invitae Variant Classification Sherloc (09022015). Collection method: clinical testing. Allele origin: germline.
Comment: This sequence change replaces proline, which is neutral and non-polar, with leucine, which is neutral and non-polar, at codon 1378 of the SLX4 protein (p.Pro1378Leu). This variant is present in population databases (rs371580654, gnomAD 0.006%). This variant has not been reported in the literature in individuals affected with SLX4-related conditions. ClinVar contains an entry for this variant (Variation ID: 1471745). An algorithm developed to predict the effect of missense changes on protein structure and function outputs the following: PolyPhen-2: "Benign". The leucine amino acid residue is found in multiple mammalian species, which suggests that this missense change does not adversely affect protein function. In summary, the available evidence is currently insufficient to determine the role of this variant in disease. Therefore, it has been classified as a Variant of Uncertain Significance.

Ambry Genetics
Classification: Uncertain significance for Inborn genetic diseases. Last evaluated: 2025-05-17. Review status: criteria provided, single submitter. Criteria: Ambry Variant Classification Scheme 2023. Collection method: clinical testing. Allele origin: germline.

NM_032444.4(SLX4):c.4133C>T (p.Pro1378Leu)

Gene: SLX4 (SLX4 structure-specific endonuclease subunit; minus strand). Cytogenetic location: 16p13.3.
Variant type: single nucleotide variant.
Coding change: c.4133C>T on transcript NM_032444.4 (MANE Select); coding-DNA position 4133, C replaced by T.
Protein change: p.Pro1378Leu; replaces proline 1378 with leucine.
Molecular consequence: missense variant.
Genome position (GRCh38, 1-based): chr16:3,589,505, G>A on the plus strand (C>T on the coding strand, the complement: SLX4 is on the minus strand). VCF-style: chr16-3589505-G-A. GRCh37 (hg19) VCF-style: chr16-3639506-G-A.
Other names: c.4133C>T (NM_032444.2); short protein forms P1378L.
Identifiers: ClinVar variation 1471745 (VCV001471745.7), dbSNP rs371580654, ClinGen allele CA7865723.
Genomic context (GRCh38, chr16:3,589,505, plus strand): 5'-CTGTCTCCGACTTCCACCACTTCACCCGCTGGGGTCTGGTTCAGGAAGCTTGGCCCAGGC[G>A]GCGAGTGTTTCAGGAACCGCCTGCTGAAGTGGGCGCGGTCCCCTGAGATGGGATGTGGAG-3'
Protein context (NP_115820.2, residues 1368-1388): HFSRRFLKHS[Pro1378Leu]PGPSFLNQTP